The following is an entry in ClinVar:

ClinVar aggregate classification (germline): Uncertain significance (1 of 4 stars; one submission).

Conditions:
Mucopolysaccharidosis, MPS-III-A (MPS3A). Also called: HEPARAN SULFATE SULFATASE DEFICIENCY; SANFILIPPO SYNDROME A; SULFAMIDASE DEFICIENCY; MPS III A; MUCOPOLYSACCHARIDOSIS, TYPE IIIA, ATTENUATED; Mucopolysaccharidosis type IIIA (Sanfilippo A). Identifiers: Orphanet 581, Orphanet 79269, MedGen C0086647, MONDO:0009655, OMIM 252900.

Submission:

Labcorp Genetics (formerly Invitae), Labcorp
Classification: Uncertain significance for Mucopolysaccharidosis, MPS-III-A. Last evaluated: 2026-01-20. Review status: criteria provided, single submitter. Criteria: Invitae Variant Classification Sherloc (09022015). Collection method: clinical testing. Allele origin: germline.
Comment: This sequence change replaces leucine, which is neutral and non-polar, with phenylalanine, which is neutral and non-polar, at codon 411 of the SGSH protein (p.Leu411Phe). This variant is not present in population databases (gnomAD no frequency). This variant has not been reported in the literature in individuals affected with SGSH-related conditions. Invitae Evidence Modeling of protein sequence and biophysical properties (such as structural, functional, and spatial information, amino acid conservation, physicochemical variation, residue mobility, and thermodynamic stability) indicates that this missense variant is expected to disrupt SGSH protein function with a positive predictive value of 95%. In summary, the available evidence is currently insufficient to determine the role of this variant in disease. Therefore, it has been classified as a Variant of Uncertain Significance.

NM_000199.5(SGSH):c.1231C>T (p.Leu411Phe)

Gene: SGSH (N-sulfoglucosamine sulfohydrolase; minus strand). Cytogenetic location: 17q25.3.
Variant type: single nucleotide variant.
Coding change: c.1231C>T on transcript NM_000199.5 (MANE Select); coding-DNA position 1231, C replaced by T.
Protein change: p.Leu411Phe; replaces leucine 411 with phenylalanine.
Molecular consequence: missense variant. On other transcripts: 3 prime UTR variant (2), non-coding transcript variant (1).
Genome position (GRCh38, 1-based): chr17:80,210,730, G>A on the plus strand (C>T on the coding strand, the complement: SGSH is on the minus strand). VCF-style: chr17-80210730-G-A. GRCh37 (hg19) VCF-style: chr17-78184529-G-A.
Other names: c.*318C>T (NM_001352921.3); c.*281C>T (NM_001352922.2); short protein forms L411F.
Identifiers: ClinVar variation 4705725 (VCV004705725.1).